The following is an entry in ClinVar:

NC_000003.12:g.169764622C>T

Gene: TERC (telomerase RNA component; minus strand). Cytogenetic location: 3q26.2.
Variant type: single nucleotide variant.
Genome position: GRCh38 VCF-style: chr3-169764622-C-T. GRCh37 (hg19) VCF-style: chr3-169482410-C-T.
Identifiers: ClinVar variation 1018483 (VCV001018483.8), dbSNP rs1777956819, ClinGen allele CA436714725.

ClinVar aggregate classification (germline): Uncertain significance (1 of 4 stars; one submission).

Conditions:
Dyskeratosis congenita, autosomal dominant 1 (DKCA1). Also called: Dyskeratosis congenita Scoggins type. Identifiers: Orphanet 1775, MedGen C4551974, MONDO:0007485, OMIM 127550. Inheritance: Variable.

Submission:

Labcorp Genetics (formerly Invitae), Labcorp
Classification: Uncertain significance for Dyskeratosis congenita, autosomal dominant 1. Last evaluated: 2025-11-03. Review status: criteria provided, single submitter. Criteria: Invitae Variant Classification Sherloc (09022015). Collection method: clinical testing. Allele origin: germline.
Comment: This variant occurs in the TERC gene, which encodes an RNA molecule that does not result in a protein product. This variant is not present in population databases (gnomAD no frequency). This variant has not been reported in the literature in individuals affected with TERC-related conditions. ClinVar contains an entry for this variant (Variation ID: 1018483). Experimental studies and prediction algorithms are not available or were not evaluated, and the functional significance of this variant is currently unknown. This variant is located within the BoxH/ACA scaRNA domain of the TERC RNA component, which is required for telomerase activity (PMID: 21844345). In summary, the available evidence is currently insufficient to determine the role of this variant in disease. Therefore, it has been classified as a Variant of Uncertain Significance.

Literature cited by the submitters: PubMed 21844345.